The following is an entry in ClinVar:

NM_018417.6(ADCY10):c.293-7T>A

Genes: ADCY10 (adenylate cyclase 10; minus strand), DCAF6 (DDB1 and CUL4 associated factor 6; plus strand). Cytogenetic location: 1q24.2.
Variant type: single nucleotide variant.
Coding change: c.293-7T>A on transcript NM_018417.6 (MANE Select); 7 bases into the intron before coding-DNA position 293, T replaced by A.
Molecular consequence: intron variant. On other transcripts: missense variant (1).
Genome position (GRCh38, 1-based): chr1:167,901,812, A>T on the plus strand (T>A on the coding strand, the complement: ADCY10 is on the minus strand). VCF-style: chr1-167901812-A-T. GRCh37 (hg19) VCF-style: chr1-167871050-A-T.
Other names: c.10T>A, p.Ser4Thr (NM_001297772.2); c.-24+204T>A (NM_001167749.3); short protein forms S4T.
Identifiers: ClinVar variation 4706056 (VCV004706056.1).
Genomic context (GRCh38, chr1:167,901,812, plus strand): 5'-TAATGTTTTTCAGCTGCTTTCGCTCCACCCTCCACAGGGCTAGCAGTGCATCACCTTCAG[A>T]GAGAGACATGCCGCGGGCTTTTGACCTGCCCTGGGGATCAATCTATTTTGTATGAGATCT-3'

ClinVar aggregate classification (germline): Uncertain significance (1 of 4 stars; one submission).

gnomAD v4.1: 5 of 1,614,094 alleles (0.00031%); highest among the groups gnomAD compares: African/African-American, 0.0067%; no homozygotes.

Submission:

Labcorp Genetics (formerly Invitae), Labcorp
Classification: Uncertain significance. Last evaluated: 2025-06-12. Review status: criteria provided, single submitter. Criteria: Invitae Variant Classification Sherloc (09022015). Collection method: clinical testing. Allele origin: germline.
Comment: This sequence change falls in intron 4 of the ADCY10 gene. It does not directly change the encoded amino acid sequence of the ADCY10 protein. This variant is present in population databases (no rsID available, gnomAD 0.01%). This variant has not been reported in the literature in individuals affected with ADCY10-related conditions. Algorithms developed to predict the effect of sequence changes on RNA splicing suggest that this variant may disrupt the consensus splice site. In summary, the available evidence is currently insufficient to determine the role of this variant in disease. Therefore, it has been classified as a Variant of Uncertain Significance.